The following is an entry in ClinVar:

NM_001271.4(CHD2):c.5128C>T (p.Arg1710Trp)

Gene: CHD2 (chromodomain helicase DNA binding protein 2; plus strand). Cytogenetic location: 15q26.1.
Variant type: single nucleotide variant.
Coding change: c.5128C>T on transcript NM_001271.4 (MANE Select); coding-DNA position 5128, C replaced by T.
Protein change: p.Arg1710Trp; replaces arginine 1710 with tryptophan.
Molecular consequence: missense variant.
Genome position (GRCh38, 1-based): chr15:93,020,233, C>T. VCF-style: chr15-93020233-C-T. GRCh37 (hg19) VCF-style: chr15-93563463-C-T.
Other names: c.5128C>T (NM_001271.3); short protein forms R1710W.
Identifiers: ClinVar variation 1483261 (VCV001483261.9), dbSNP rs1000152328, ClinGen allele CA274888456.
Genomic context (GRCh38, chr15:93,020,233, plus strand): 5'-CGACCCAACAACATGTCCAGAAAGAGGCCTTATGACCAGTACAGCAGTGACCGAGACCAC[C>T]GGGGACACAGAGATTATTATGACAGGTATGCAAAAGGCTGTGAGACACCAGGTGCCAACC-3'
Protein context (NP_001262.3, residues 1700-1720): YDQYSSDRDH[Arg1710Trp]GHRDYYDRHH

ClinVar aggregate classification (germline): Conflicting classifications of pathogenicity. Review status: criteria provided, conflicting classifications (1 of 4 stars). 2 submissions from 2 submitters: Uncertain significance (1); Likely benign (1). Last evaluated 2024-03-27.

Conditions:
Developmental and epileptic encephalopathy 94 (DEE94). Also called: CHD2-Related Neurodevelopmental Disorders; Epileptic encephalopathy, childhood-onset. Identifiers: Orphanet 1942, Orphanet 2382, MedGen C3809278, MONDO:0014150, OMIM 615369.

Allele frequency attached by ClinVar (database versions not stated): gnomAD exomes 0.00001 and 0.00002; gnomAD 0.00002 and 0.00003; TOPMed 0.00002.

Submissions (2):

GeneDx
Classification: Likely benign. Last evaluated: 2024-03-27. Review status: criteria provided, single submitter. Criteria: GeneDx Variant Classification Process June 2021. Collection method: clinical testing. Allele origin: germline. Affected: yes.
Comment: See Variant Classification Assertion Criteria.

Labcorp Genetics (formerly Invitae), Labcorp
Classification: Uncertain significance for Developmental and epileptic encephalopathy 94. Last evaluated: 2023-10-03. Review status: criteria provided, single submitter. Criteria: Invitae Variant Classification Sherloc (09022015). Collection method: clinical testing. Allele origin: germline.
Comment: This sequence change replaces arginine, which is basic and polar, with tryptophan, which is neutral and slightly polar, at codon 1710 of the CHD2 protein (p.Arg1710Trp). This variant is present in population databases (no rsID available, gnomAD 0.007%). This missense change has been observed in individual(s) with clinical features of CHD2-related conditions (PMID: 32005694). ClinVar contains an entry for this variant (Variation ID: 1483261). Advanced modeling of protein sequence and biophysical properties (such as structural, functional, and spatial information, amino acid conservation, physicochemical variation, residue mobility, and thermodynamic stability) performed at Invitae indicates that this missense variant is not expected to disrupt CHD2 protein function. In summary, the available evidence is currently insufficient to determine the role of this variant in disease. Therefore, it has been classified as a Variant of Uncertain Significance.

Literature cited by the submitters: PubMed 32005694 (cited by Labcorp Genetics (formerly Invitae), Labcorp).